The following is an entry in ClinVar:

ClinVar aggregate classification (germline): Uncertain significance (1 of 4 stars; one submission).

Conditions:
Catecholaminergic polymorphic ventricular tachycardia 1. Also called: RYR2-Related Catecholaminergic Polymorphic Ventricular Tachycardia; VENTRICULAR TACHYCARDIA, STRESS-INDUCED POLYMORPHIC 1; VENTRICULAR TACHYCARDIA, CATECHOLAMINERGIC POLYMORPHIC, 1, WITH OR WITHOUT ATRIAL DYSFUNCTION AND/OR DILATED CARDIOMYOPATHY. Identifiers: Orphanet 3286, MedGen C1631597, MONDO:0011484, OMIM 604772.

Submission:

Labcorp Genetics (formerly Invitae), Labcorp
Classification: Uncertain significance for Catecholaminergic polymorphic ventricular tachycardia 1. Last evaluated: 2023-04-06. Review status: criteria provided, single submitter. Criteria: Invitae Variant Classification Sherloc (09022015). Collection method: clinical testing. Allele origin: germline.
Comment: This sequence change replaces methionine, which is neutral and non-polar, with threonine, which is neutral and polar, at codon 4884 of the RYR2 protein (p.Met4884Thr). This variant is not present in population databases (gnomAD no frequency). This variant has not been reported in the literature in individuals affected with RYR2-related conditions. Advanced modeling of protein sequence and biophysical properties (such as structural, functional, and spatial information, amino acid conservation, physicochemical variation, residue mobility, and thermodynamic stability) performed at Invitae indicates that this missense variant is expected to disrupt RYR2 protein function. In summary, the available evidence is currently insufficient to determine the role of this variant in disease. Therefore, it has been classified as a Variant of Uncertain Significance.

NM_001035.3(RYR2):c.14651T>C (p.Met4884Thr)

Gene: RYR2 (ryanodine receptor 2; plus strand). Cytogenetic location: 1q43.
Variant type: single nucleotide variant.
Coding change: c.14651T>C on transcript NM_001035.3 (MANE Select); coding-DNA position 14651, T replaced by C.
Protein change: p.Met4884Thr; replaces methionine 4884 with threonine.
Molecular consequence: missense variant.
Genome position (GRCh38, 1-based): chr1:237,828,441, T>C. VCF-style: chr1-237828441-T-C. GRCh37 (hg19) VCF-style: chr1-237991741-T-C.
Other names: short protein forms M4884T.
Identifiers: ClinVar variation 2852689 (VCV002852689.3), dbSNP rs2102926629, ClinGen allele CA345429474.